The following is an entry in ClinVar:

ClinVar aggregate classification (germline): Benign (1 of 4 stars; one submission).

Submission:

CeGaT Center for Human Genetics Tuebingen
Classification: Benign. Last evaluated: 2024-08-01. Review status: criteria provided, single submitter. Criteria: CeGaT Center For Human Genetics Tuebingen Variant Classification Criteria Version 2. Collection method: clinical testing. Allele origin: germline. Affected: yes. Observed: 1 variant allele.
Comment: TNS3: BS1, BS2

NM_022748.12(TNS3):c.-264-7919del

Gene: TNS3 (tensin 3; minus strand). Cytogenetic location: 7p12.3.
Variant type: Deletion.
Coding change: c.-264-7919del on transcript NM_022748.12 (MANE Select); 7919 bases into the intron before 264 bases upstream of the start codon, one base deleted (C; older notation c.-264-7919delC).
Molecular consequence: intron variant. On other transcripts: frameshift variant (1).
Genome position (GRCh38, 1-based): chr7:47,537,066, G deleted on the plus strand (C on the coding strand, the reverse complement: TNS3 is on the minus strand). VCF-style (leftmost placement, unchanged base first): chr7-47537065-CG-C. GRCh37 (hg19) VCF-style: chr7-47576663-CG-C.
Other names: c.42del, p.Phe14fs (NM_001410877.1); c.46-7919del (NM_001410878.1); short protein forms F14fs.
Identifiers: ClinVar variation 3341503 (VCV003341503.16).